The following is an entry in ClinVar:

ClinVar aggregate classification (germline): Uncertain significance (1 of 4 stars; one submission).

Submission:

Greenwood Genetic Center Diagnostic Laboratories, Greenwood Genetic Center
Classification: Uncertain significance. Last evaluated: 2024-04-30. Review status: criteria provided, single submitter. Criteria: ACMG Guidelines, 2015. Collection method: clinical testing. Allele origin: germline. Affected: yes.
Comment: PM2

NM_004380.3(CREBBP):c.799-18644G>T

Gene: CREBBP (CREB binding protein; minus strand). Cytogenetic location: 16p13.3.
Variant type: single nucleotide variant.
Coding change: c.799-18644G>T on transcript NM_004380.3 (MANE Select); 18644 bases into the intron before coding-DNA position 799, G replaced by T.
Molecular consequence: intron variant.
Genome position (GRCh38, 1-based): chr16:3,829,423, C>A on the plus strand (G>T on the coding strand, the complement: CREBBP is on the minus strand). VCF-style: chr16-3829423-C-A. GRCh37 (hg19) VCF-style: chr16-3879424-C-A.
Other names: c.799-18644G>T (NM_001079846.1).
Identifiers: ClinVar variation 3338605 (VCV003338605.1).